The following is an entry in ClinVar:

NM_001366145.2(TRPM3):c.4437G>A (p.Met1479Ile)

Genes: TRPM3 (transient receptor potential cation channel subfamily M member 3; minus strand), KLF9-DT (KLF9 divergent transcript; plus strand). Cytogenetic location: 9q21.12.
Variant type: single nucleotide variant.
Coding change: c.4437G>A on transcript NM_001366145.2 (MANE Select); coding-DNA position 4437, G replaced by A.
Protein change: p.Met1479Ile; replaces methionine 1479 with isoleucine.
Molecular consequence: missense variant. On other transcripts: intron variant (8).
Genome position (GRCh38, 1-based): chr9:70,536,676, C>T on the plus strand (G>A on the coding strand, the complement: TRPM3 is on the minus strand). VCF-style: chr9-70536676-C-T. GRCh37 (hg19) VCF-style: chr9-73151592-C-T.
Other names: c.4401G>A, p.Met1467Ile (NM_001007471.4); c.4407G>A, p.Met1469Ile (NM_001366141.2, NM_001366149.2); c.4512G>A, p.Met1504Ile (NM_001366147.2); c.3942G>A, p.Met1314Ile (NM_020952.6); c.3978G>A, p.Met1326Ile (NM_024971.7); c.3912G>A, p.Met1304Ile (NM_206944.5); c.3948G>A, p.Met1316Ile (NM_206945.5); c.4017G>A, p.Met1339Ile (NM_206946.5); and 9 more; short protein forms M1304I, M1314I, M1316I, M1326I, M1329I, M1339I, M1467I, M1469I.
Identifiers: ClinVar variation 3897989 (VCV003897989.1).

ClinVar aggregate classification (germline): Uncertain significance (1 of 4 stars; one submission).

Conditions:
Neurodevelopmental disorder with hypotonia, dysmorphic facies, and skeletal anomalies, with or without seizures (NEDFSS). Also called: TRPM3-Related Neurodevelopmental Disorder. Identifiers: MedGen C5830244, MONDO:0859365, OMIM 620224.

Submission:

Neuberg Centre For Genomic Medicine, NCGM
Classification: Uncertain significance for Neurodevelopmental disorder with hypotonia, dysmorphic facies, and skeletal anomalies, with or without seizures. Last evaluated: 2024-02-01. Review status: criteria provided, single submitter. Criteria: ACMG Guidelines, 2015. Collection method: clinical testing. Allele origin: germline. Inheritance: Autosomal dominant inheritance.
Comment: The missense c.4437G>A (p.Met1479Ile) variant in TRPM3 gene has not been reported previously as a pathogenic variant nor as a benign variant, to our knowledge.